The following is an entry in ClinVar:

NM_022455.5(NSD1):c.6967G>T (p.Ala2323Ser)

Gene: NSD1 (nuclear receptor binding SET domain protein 1; plus strand). Cytogenetic location: 5q35.3.
Variant type: single nucleotide variant.
Coding change: c.6967G>T on transcript NM_022455.5 (MANE Select); coding-DNA position 6967, G replaced by T.
Protein change: p.Ala2323Ser; replaces alanine 2323 with serine.
Molecular consequence: missense variant.
Genome position (GRCh38, 1-based): chr5:177,294,335, G>T. VCF-style: chr5-177294335-G-T. GRCh37 (hg19) VCF-style: chr5-176721336-G-T.
Other names: c.6094G>T, p.Ala2032Ser (NM_001365684.2, NM_001409308.1, NM_172349.5); c.6967G>T, p.Ala2323Ser (NM_001409301.1, NM_001409302.1, NM_001409303.1); c.6547G>T, p.Ala2183Ser (NM_001409304.1); c.6214G>T, p.Ala2072Ser (NM_001409305.1); c.6205G>T, p.Ala2069Ser (NM_001409306.1, NM_001409307.1); c.5845G>T, p.Ala1949Ser (NM_001409309.1); short protein forms A1949S, A2032S, A2069S, A2072S, A2183S, A2323S.
Identifiers: ClinVar variation 2662009 (VCV002662009.1), dbSNP rs2127280538, ClinGen allele CA362327494.
Genomic context (GRCh38, chr5:177,294,335, plus strand): 5'-GGGACCAAATCCCAATCCTTGGTTTCCAGCCAGAGGCCACTGGACAGGCCACCAGCAGTG[G>T]CAGGACCAAGACCCCAGCTAAGCGACAAACCCTCTCCAGTGACCAGCCCAAGCTCCTCAC-3'
Protein context (NP_071900.2, residues 2313-2333): QRPLDRPPAV[Ala2323Ser]GPRPQLSDKP

ClinVar aggregate classification (germline): Uncertain significance (1 of 4 stars; one submission).

Submission:

GeneDx
Classification: Uncertain significance. Last evaluated: 2023-04-28. Review status: criteria provided, single submitter. Criteria: GeneDx Variant Classification Process June 2021. Collection method: clinical testing. Allele origin: germline. Affected: yes.
Comment: Not observed at significant frequency in large population cohorts (gnomAD); In silico analysis supports that this missense variant does not alter protein structure/function; Has not been previously published as pathogenic or benign to our knowledge